The following is an entry in ClinVar:

NC_000013.11:g.52011759C>G

Genes: ATP7B (ATPase copper transporting beta; minus strand), LOC130009838 (ATAC-STARR-seq lymphoblastoid silent region 5378; plus strand). Cytogenetic location: 13q14.3.
Variant type: single nucleotide variant.
Molecular consequence: 5 prime UTR variant (on NM_001406512.1). On other transcripts: intron variant (9).
Genome position: GRCh38 VCF-style: chr13-52011759-C-G. GRCh37 (hg19) VCF-style: chr13-52585895-C-G.
Other names: c.-157G>C (NM_001406512.1, NM_001406516.1, NM_001406522.1); c.-341G>C (NM_001406532.1); c.-55+261G>C (NM_001406541.1, NM_001406531.1, NM_001406527.1 and 4 more transcripts); c.-184+261G>C (NM_001406543.1); c.-238-184G>C (NM_001406528.1).
Identifiers: ClinVar variation 4758274 (VCV004758274.1).

ClinVar aggregate classification (germline): Uncertain significance (1 of 4 stars; one submission).

Conditions:
Wilson disease (WND). Also called: Wilson's disease. Identifiers: Orphanet 905, MedGen C0019202, MONDO:0010200, OMIM 277900. Disease mechanism: loss of function.

Submission:

Color Diagnostics, LLC DBA Color Health
Classification: Uncertain significance for Wilson disease. Last evaluated: 2025-07-07. Review status: criteria provided, single submitter. Criteria: ACMG Guidelines, 2015. Collection method: clinical testing. Allele origin: germline.
Comment: This variant causes a single nucleotide substitution in the 5' untranslated region of the ATP7B gene. To our knowledge, functional studies have not been reported for this variant. This variant has not been reported in individuals affected with ATP7B-related disorders in the literature. This variant has not been identified in the general population by the Genome Aggregation Database (gnomAD). The available evidence is insufficient to determine the role of this variant in disease conclusively. Therefore, this variant is classified as a Variant of Uncertain Significance.